The following is an entry in ClinVar:

ClinVar aggregate classification (germline): Uncertain significance. Review status: criteria provided, multiple submitters, no conflicts (2 of 4 stars). 2 submissions from 2 submitters: Uncertain significance (2). Last evaluated 2021-08-02.

Conditions:
Autosomal dominant Alport syndrome (ATS3A). Also called: ALPORT SYNDROME 3A, AUTOSOMAL DOMINANT; Alport syndrome dominant type; Renal failure and sensorineural hearing loss. Identifiers: Orphanet 63, Orphanet 88918, MedGen C5882663, MONDO:0007086, OMIM 104200.
Autosomal recessive Alport syndrome (ATS2). Also called: Alport syndrome type 2; COL4A3-Related Nephropathy; ALPORT SYNDROME 2, AUTOSOMAL RECESSIVE; COL4A4 Alport Syndrome and Thin Basement Membrane Nephropathy. Identifiers: Orphanet 63, Orphanet 88919, MedGen C4746745, MONDO:0008762, OMIM 203780.
Benign familial hematuria. Also called: thin basement membrane disease. Identifiers: MedGen C0241908, MONDO:0957317.

gnomAD v4.1: 1 of 1,613,978 alleles (0.000062%); highest among the groups gnomAD compares: Non-Finnish European, 0.000085%; no homozygotes.

Submissions (2):

Fulgent Genetics
Classification: Uncertain significance for Autosomal dominant Alport syndrome; Hematuria, benign familial, 1; Autosomal recessive Alport syndrome. Last evaluated: 2021-08-02. Review status: criteria provided, single submitter. Criteria: ACMG Guidelines, 2015. Collection method: clinical testing. Allele origin: unknown.

Labcorp Genetics (formerly Invitae), Labcorp
Classification: Uncertain significance. Last evaluated: 2021-05-19. Review status: criteria provided, single submitter. Criteria: Invitae Variant Classification Sherloc (09022015). Collection method: clinical testing. Allele origin: germline.
Comment: This sequence change replaces aspartic acid with glycine at codon 1078 of the COL4A3 protein (p.Asp1078Gly). The aspartic acid residue is weakly conserved and there is a moderate physicochemical difference between aspartic acid and glycine. This variant is not present in population databases (ExAC no frequency). This variant has not been reported in the literature in individuals with COL4A3-related conditions. Advanced modeling of protein sequence and biophysical properties (such as structural, functional, and spatial information, amino acid conservation, physicochemical variation, residue mobility, and thermodynamic stability) performed at Invitae indicates that this missense variant is not expected to disrupt COL4A3 protein function. Algorithms developed to predict the effect of sequence changes on RNA splicing suggest that this variant may create or strengthen a splice site, but this prediction has not been confirmed by published transcriptional studies. In summary, the available evidence is currently insufficient to determine the role of this variant in disease. Therefore, it has been classified as a Variant of Uncertain Significance.

NM_000091.5(COL4A3):c.3233A>G (p.Asp1078Gly)

Genes: COL4A3 (collagen type IV alpha 3 chain; plus strand), MFF-DT (MFF divergent transcript; minus strand). Cytogenetic location: 2q36.3.
Variant type: single nucleotide variant.
Coding change: c.3233A>G on transcript NM_000091.5 (MANE Select); coding-DNA position 3233, A replaced by G.
Protein change: p.Asp1078Gly; replaces aspartic acid 1078 with glycine.
Molecular consequence: missense variant.
Genome position (GRCh38, 1-based): chr2:227,293,213, A>G. VCF-style: chr2-227293213-A-G. GRCh37 (hg19) VCF-style: chr2-228157929-A-G.
Other names: short protein forms D1078G.
Identifiers: ClinVar variation 1435642 (VCV001435642.9), dbSNP rs766520935, ClinGen allele CA350857270.